The following is an entry in ClinVar:

ClinVar aggregate classification (germline): Conflicting classifications of pathogenicity. Review status: criteria provided, conflicting classifications (1 of 4 stars). 4 submissions from 4 submitters: Uncertain significance (1); Likely benign (3). Last evaluated 2024-02-05.

Conditions:
Hereditary cancer-predisposing syndrome. Also called: Neoplastic Syndromes, Hereditary; Tumor predisposition; Hereditary neoplastic syndrome; Hereditary Cancer Syndrome. Identifiers: Orphanet 140162, MedGen C0027672, MeSH D009386, MONDO:0015356.
Hereditary breast ovarian cancer syndrome. Also called: Hereditary breast and ovarian cancer syndrome; Breast and ovarian cancer; Hereditary breast and/or ovarian cancer syndrome; Hereditary breast and ovarian cancer; BRCA1- and BRCA2-Associated Hereditary Breast and Ovarian Cancer; Hereditary breast and ovarian cancer syndrome (HBOC). Identifiers: Orphanet 145, MedGen C0677776, MeSH D061325, MONDO:0003582. Disease mechanism: loss of function.
Breast-ovarian cancer, familial, susceptibility to, 2 (BROVCA2). Also called: BRCA2 Hereditary Breast and Ovarian Cancer. Identifiers: Orphanet 145, MedGen C2675520, MONDO:0012933, OMIM 612555. Disease mechanism: loss of function.

Submissions (4):

All of Us Research Program, National Institutes of Health
Classification: Likely benign for Breast-ovarian cancer, familial, susceptibility to, 2. Last evaluated: 2024-02-05. Review status: criteria provided, single submitter. Criteria: ACMG Guidelines, 2015. Collection method: clinical testing. Allele origin: germline. Inheritance: Autosomal dominant inheritance. Observed: 1 variant allele, 1 heterozygote.
Comment: This study involves interpretation of variants in research participants for the purpose of population health screening. Participant phenotype was not available at the time of variant classification. Additional details can be found in publication PMID: 35346344, PMCID: PMC8962531

Labcorp Genetics (formerly Invitae), Labcorp
Classification: Likely benign for Hereditary breast ovarian cancer syndrome. Last evaluated: 2023-09-03. Review status: criteria provided, single submitter. Criteria: Invitae Variant Classification Sherloc (09022015). Collection method: clinical testing. Allele origin: germline.

Quest Diagnostics Nichols Institute San Juan Capistrano
Classification: Uncertain significance. Last evaluated: 2023-05-12. Review status: criteria provided, single submitter. Criteria: Quest Diagnostics criteria. Collection method: clinical testing. Allele origin: unknown.
Comment: To the best of our knowledge, this variant has not been reported in the published literature. It also has not been reported in large, multi-ethnic general populations. Analysis of this variant using software algorithms for the prediction of the effect of nucleotide changes on splicing yielded predictions that this variant does not affect BRCA2 mRNA splicing . Based on the available information, we are unable to determine the clinical significance of this variant.

Ambry Genetics
Classification: Likely benign for Hereditary cancer-predisposing syndrome. Last evaluated: 2021-02-14. Review status: criteria provided, single submitter. Criteria: Ambry Variant Classification Scheme 2023. Collection method: clinical testing. Allele origin: germline.

NM_000059.4(BRCA2):c.6294T>G (p.Ser2098=)

Gene: BRCA2 (BRCA2 DNA repair associated; plus strand). Cytogenetic location: 13q13.1.
Variant type: single nucleotide variant.
Coding change: c.6294T>G on transcript NM_000059.4 (MANE Select); coding-DNA position 6294, T replaced by G.
Protein change: p.Ser2098=; no amino-acid change (serine 2098 retained).
Molecular consequence: synonymous variant. On other transcripts: non-coding transcript variant (1), intron variant (2).
Genome position (GRCh38, 1-based): chr13:32,340,649, T>G. VCF-style: chr13-32340649-T-G. GRCh37 (hg19) VCF-style: chr13-32914786-T-G.
Other names: c.6294T>G, p.Ser2098= (NM_001406719.1, NM_001406720.1); c.1910-3909T>G (NM_001406721.1); c.425-3909T>G (NM_001406722.1).
Identifiers: ClinVar variation 1752672 (VCV001752672.7), dbSNP rs2137526116, ClinGen allele CA483438763.